The following is an entry in ClinVar:

NM_017780.4(CHD7):c.8957G>C (p.Gly2986Ala)

Gene: CHD7 (chromodomain helicase DNA binding protein 7; plus strand). Cytogenetic location: 8q12.2.
Variant type: single nucleotide variant.
Coding change: c.8957G>C on transcript NM_017780.4 (MANE Select); coding-DNA position 8957, G replaced by C.
Protein change: p.Gly2986Ala; replaces glycine 2986 with alanine.
Molecular consequence: missense variant.
Genome position (GRCh38, 1-based): chr8:60,865,896, G>C. VCF-style: chr8-60865896-G-C. GRCh37 (hg19) VCF-style: chr8-61778455-G-C.
Other names: c.2810G>C, p.Gly937Ala (NM_001316690.1); short protein forms G2986A, G937A.
Identifiers: ClinVar variation 872422 (VCV000872422.53), dbSNP rs374004489, ClinGen allele CA177330105.

ClinVar aggregate classification (germline): Uncertain significance. Review status: criteria provided, multiple submitters, no conflicts (2 of 4 stars). 5 submissions from 5 submitters: Uncertain significance (5). Last evaluated 2026-07-13.

Conditions:
Hypogonadotropic hypogonadism 5 with or without anosmia (KAL5). Also called: HYPOGONADOTROPIC HYPOGONADISM 5 WITH ANOSMIA; HYPOGONADOTROPHIC HYPOGONADISM 5 WITHOUT ANOSMIA; CHD7-Related GnRH Deficiency (Kallmann Syndrome 5). Identifiers: Orphanet 478, MedGen C3552553, MONDO:0012880, OMIM 612370. Disease mechanism: loss of function.
CHARGE syndrome (CHARGE). Also called: CHARGE ASSOCIATION--COLOBOMA, HEART ANOMALY, CHOANAL ATRESIA, RETARDATION, GENITAL AND EAR ANOMALIES; Coloboma, heart anomaly, choanal atresia, retardation, genital and ear anomalies; CHARGE association; Hall-Hittner syndrome; Hittner Hirsch Kreh syndrome. Identifiers: Orphanet 138, MedGen C0265354, MONDO:0008965.
Inborn genetic diseases. Identifiers: MedGen C0950123, MeSH D030342.

Allele frequency attached by ClinVar (database versions not stated): gnomAD 0.00001; TOPMed 0.00003; ESP Exome Variant Server 0.00008.
gnomAD v4.1: 5 of 1,609,062 alleles (0.00031%); highest among the groups gnomAD compares: Non-Finnish European, 0.00042%; no homozygotes.

Submissions (5):

Ambry Genetics
Classification: Uncertain significance for Inborn genetic diseases. Last evaluated: 2026-07-13. Review status: criteria provided, single submitter. Criteria: Ambry Variant Classification Scheme 2023. Collection method: clinical testing. Allele origin: germline.
Comment: The p.G2986A variant (also known as c.8957G>C), located in coding exon 37 of the CHD7 gene, results from a G to C substitution at nucleotide position 8957. The glycine at codon 2986 is replaced by alanine, an amino acid with similar properties. This amino acid position is conserved. In addition, the in silico prediction for this alteration is inconclusive. Based on the available evidence, the clinical significance of this variant remains unclear.

Labcorp Genetics (formerly Invitae), Labcorp
Classification: Uncertain significance for CHARGE syndrome. Last evaluated: 2024-10-16. Review status: criteria provided, single submitter. Criteria: Invitae Variant Classification Sherloc (09022015). Collection method: clinical testing. Allele origin: germline.
Comment: This sequence change replaces glycine, which is neutral and non-polar, with alanine, which is neutral and non-polar, at codon 2986 of the CHD7 protein (p.Gly2986Ala). This variant is not present in population databases (gnomAD no frequency). This variant has not been reported in the literature in individuals affected with CHD7-related conditions. ClinVar contains an entry for this variant (Variation ID: 872422). Invitae Evidence Modeling of protein sequence and biophysical properties (such as structural, functional, and spatial information, amino acid conservation, physicochemical variation, residue mobility, and thermodynamic stability) indicates that this missense variant is not expected to disrupt CHD7 protein function with a negative predictive value of 95%. In summary, the available evidence is currently insufficient to determine the role of this variant in disease. Therefore, it has been classified as a Variant of Uncertain Significance.

Fulgent Genetics
Classification: Uncertain significance for CHD7-related CHARGE syndrome; Hypogonadotropic hypogonadism 5 with or without anosmia. Last evaluated: 2022-05-17. Review status: criteria provided, single submitter. Criteria: ACMG Guidelines, 2015. Collection method: clinical testing. Allele origin: unknown.

CeGaT Center for Human Genetics Tuebingen
Classification: Uncertain significance. Last evaluated: 2020-01-01. Review status: criteria provided, single submitter. Criteria: CeGaT Center For Human Genetics Tuebingen Variant Classification Criteria Version 2. Collection method: clinical testing. Allele origin: germline. Affected: yes. Observed: 1 variant allele.

Centre for Mendelian Genomics, University Medical Centre Ljubljana
Classification: Uncertain significance for CHD7-related CHARGE syndrome. Last evaluated: 2019-09-24. Review status: criteria provided, single submitter. Criteria: ACMG Guidelines, 2015. Collection method: clinical testing. Allele origin: unknown. Affected: yes.
Comment: This variant was classified as: Uncertain significance. The available evidence on this variant's pathogenicity is insufficient or conflicting. The following ACMG criteria were applied in classifying this variant: PM2,PP3,BP1.